The following is an entry in ClinVar:

NM_015425.6(POLR1A):c.2770C>T (p.Arg924Trp)

Genes: POLR1A (RNA polymerase I subunit A; minus strand), LOC126806263 (BRD4-independent group 4 enhancer GRCh37_chr2:86272354-86273553; plus strand). Cytogenetic location: 2p11.2.
Variant type: single nucleotide variant.
Coding change: c.2770C>T on transcript NM_015425.6 (MANE Select); coding-DNA position 2770, C replaced by T.
Protein change: p.Arg924Trp; replaces arginine 924 with tryptophan.
Molecular consequence: missense variant.
Genome position (GRCh38, 1-based): chr2:86,045,733, G>A on the plus strand (C>T on the coding strand, the complement: POLR1A is on the minus strand). VCF-style: chr2-86045733-G-A. GRCh37 (hg19) VCF-style: chr2-86272856-G-A.
Other names: short protein forms R924W.
Identifiers: ClinVar variation 1423161 (VCV001423161.8), dbSNP rs374024458, ClinGen allele CA1745958.

ClinVar aggregate classification (germline): Uncertain significance (1 of 4 stars; one submission).

Allele frequency attached by ClinVar (database versions not stated): ExAC 0.00001; gnomAD exomes 0.00002 and 0.00005; gnomAD 0.00003; TOPMed 0.00003; ESP Exome Variant Server 0.00008.
gnomAD v4.1: 75 of 1,608,498 alleles (0.0047%); highest among the groups gnomAD compares: Non-Finnish European, 0.006%; no homozygotes.

Submission:

Labcorp Genetics (formerly Invitae), Labcorp
Classification: Uncertain significance. Last evaluated: 2025-06-15. Review status: criteria provided, single submitter. Criteria: Invitae Variant Classification Sherloc (09022015). Collection method: clinical testing. Allele origin: germline.
Comment: This sequence change replaces arginine, which is basic and polar, with tryptophan, which is neutral and slightly polar, at codon 924 of the POLR1A protein (p.Arg924Trp). This variant is present in population databases (rs374024458, gnomAD 0.006%). This variant has not been reported in the literature in individuals affected with POLR1A-related conditions. ClinVar contains an entry for this variant (Variation ID: 1423161). Invitae Evidence Modeling of protein sequence and biophysical properties (such as structural, functional, and spatial information, amino acid conservation, physicochemical variation, residue mobility, and thermodynamic stability) indicates that this missense variant is expected to disrupt POLR1A protein function with a positive predictive value of 80%. In summary, the available evidence is currently insufficient to determine the role of this variant in disease. Therefore, it has been classified as a Variant of Uncertain Significance.